The following is an entry in ClinVar:

ClinVar aggregate classification (germline): Likely benign. Review status: criteria provided, single submitter (1 of 4 stars). 2 submissions from 2 submitters: Likely benign (1). 1 of the submissions does not count toward it. Last evaluated 2024-11-13.

Conditions:
SETD1B-related disorder. Also called: SETD1B-related condition.

Allele frequency attached by ClinVar (database versions not stated): 1000 Genomes Project 0.00579; ESP Exome Variant Server 0.00591.

Submissions (2):

Blueprint Genetics
Classification: Likely benign. Last evaluated: 2024-11-13. Review status: criteria provided, single submitter. Criteria: ACMG Guidelines, 2015. Collection method: clinical testing. Allele origin: germline.

PreventionGenetics, part of Exact Sciences
Classification: Benign for SETD1B-related condition. Last evaluated: 2019-08-28. Review status: no assertion criteria provided. Collection method: clinical testing. Allele origin: germline. Not counted in ClinVar's aggregate classification.
Comment: This variant is classified as benign based on ACMG/AMP sequence variant interpretation guidelines (Richards et al. 2015 PMID: 25741868, with internal and published modifications).

NM_001353345.2(SETD1B):c.3363C>A (p.Asp1121Glu)

Gene: SETD1B (SET domain containing 1B, histone lysine methyltransferase; plus strand). Cytogenetic location: 12q24.31.
Variant type: single nucleotide variant.
Coding change: c.3363C>A on transcript NM_001353345.2 (MANE Select); coding-DNA position 3363, C replaced by A.
Protein change: p.Asp1121Glu; replaces aspartic acid 1121 with glutamic acid.
Molecular consequence: missense variant.
Genome position (GRCh38, 1-based): chr12:121,817,849, C>A. VCF-style: chr12-121817849-C-A. GRCh37 (hg19) VCF-style: chr12-122255755-C-A.
Other names: NM_015048.1:c.3234C>A; short protein forms D1121E.
Identifiers: ClinVar variation 3049460 (VCV003049460.3), dbSNP rs115711780, ClinGen allele CA6839050.